The following is an entry in ClinVar:

ClinVar aggregate classification (germline): Uncertain significance (1 of 4 stars; one submission).

Submission:

Labcorp Genetics (formerly Invitae), Labcorp
Classification: Uncertain significance. Last evaluated: 2022-10-24. Review status: criteria provided, single submitter. Criteria: Invitae Variant Classification Sherloc (09022015). Collection method: clinical testing. Allele origin: germline.
Comment: This variant, c.445_456dup, results in the insertion of 4 amino acid(s) of the SOX11 protein (p.Ser149_Gly152dup), but otherwise preserves the integrity of the reading frame. In summary, the available evidence is currently insufficient to determine the role of this variant in disease. Therefore, it has been classified as a Variant of Uncertain Significance. This variant has not been reported in the literature in individuals affected with SOX11-related conditions. This variant is not present in population databases (gnomAD no frequency).

NM_003108.4(SOX11):c.445_456dup (p.Gly152_Gly153insSerAlaGlyGly)

Gene: SOX11 (SRY-box transcription factor 11; plus strand). Cytogenetic location: 2p25.2.
Variant type: Duplication.
Coding change: c.445_456dup on transcript NM_003108.4 (MANE Select); coding-DNA positions 445 to 456, 12 bases duplicated (AGCGCGGGCGGA).
Protein change: p.Gly152_Gly153insSerAlaGlyGly.
Molecular consequence: inframe insertion.
Genome position (GRCh38, 1-based): chr2:5,693,166-5,693,177, AGCGCGGGCGGA duplicated. VCF-style (leftmost placement, unchanged base first): chr2-5693165-G-GAGCGCGGGCGGA. GRCh37 (hg19) VCF-style: chr2-5833297-G-GAGCGCGGGCGGA.
Identifiers: ClinVar variation 2036603 (VCV002036603.4), dbSNP rs2465087694, ClinGen allele CA2580066139.
Genomic context (GRCh38, chr2:5,693,165, plus strand): 5'-CTCGGCCAAGCCCAGCGCCAGCCAGAGCCCAGAGAAGAGCGCGGCCGGCGGCGGCGGCGG[G>GAGCGCGGGCGGA]AGCGCGGGCGGAGGCGCGGGCGGTGCCAAGACCTCCAAGGGCTCCAGCAAGAAATGCGGC-3'